The following is an entry in ClinVar:

NM_001142966.3(GREB1L):c.292T>A (p.Ser98Thr)

Genes: GREB1L (GREB1 like retinoic acid receptor coactivator; plus strand), GREB1L-AS1 (GREB1L antisense RNA 1; minus strand). Cytogenetic location: 18q11.1.
Variant type: single nucleotide variant.
Coding change: c.292T>A on transcript NM_001142966.3 (MANE Select); coding-DNA position 292, T replaced by A.
Protein change: p.Ser98Thr; replaces serine 98 with threonine.
Molecular consequence: missense variant.
Genome position (GRCh38, 1-based): chr18:21,384,340, T>A. VCF-style: chr18-21384340-T-A. GRCh37 (hg19) VCF-style: chr18-18964301-T-A.
Other names: c.292T>A, p.Ser98Thr (NM_001410867.1, NM_001410868.1); short protein forms S98T.
Identifiers: ClinVar variation 4879657 (VCV004879657.1).

ClinVar aggregate classification (germline): Uncertain significance (1 of 4 stars; one submission).

Conditions:
Hearing loss, autosomal dominant 80. Also called: DEAFNESS, AUTOSOMAL DOMINANT 80. Identifiers: MedGen C5543289, MONDO:0030998, OMIM 619274.

Submission:

Victorian Clinical Genetics Services, Murdoch Childrens Research Institute
Classification: Uncertain significance for Hearing loss, autosomal dominant 80. Last evaluated: 2026-07-07. Review status: criteria provided, single submitter. Criteria: ACMG Guidelines, 2015. Collection method: clinical testing. Allele origin: germline. Affected: yes.
Comment: This variant is classified as VUS-3B. Evidence in support of pathogenic classification: This variant is absent from gnomAD v4. Evidence in support of benign classification: Missense variant predicted to be tolerated by in silico tool(s) and/or not conserved in placental mammals with a minor amino acid change. Additional information: This variant is predicted to result in a missense amino acid change from Ser to Thr; This variant is heterozygous; This gene is associated with autosomal dominant disease; This variant has no previous evidence of pathogenicity; No published evidence of segregation with disease has been identified for this variant; No published functional evidence has been identified for this variant; No comparable variants have previous evidence for pathogenicity; Variant is located in the annotated GREB1 N-terminal domain (DECIPHER). - Loss of function is a known mechanism of disease in this gene and is associated with autosomal dominant deafness 80 (MIM#619274) and renal hypodysplasia/aplasia 3 (MIM#617805); The condition associated with this gene has incomplete penetrance, where variants have been inherited from unaffected parents (PMIDs: 29100090, 32378186); Variants in this gene are known to have variable expressivity (OMIM); Inheritance information for this variant is not currently available in this individual.

Literature cited by the submitters: PubMed 32378186; PubMed 29100090.